The following is an entry in ClinVar:

ClinVar aggregate classification (germline): Pathogenic (1 of 4 stars; one submission).

Conditions:
Usher syndrome type 1 (USH1). Also called: RETINITIS PIGMENTOSA AND CONGENITAL DEAFNESS. Identifiers: Orphanet 231169, Orphanet 886, MedGen C1568247, MONDO:0010168, OMIM 276900.

Submission:

Myriad Genetics, Inc.
Classification: Pathogenic for Usher syndrome type 1. Last evaluated: 2024-08-02. Review status: criteria provided, single submitter. Criteria: Myriad Autosomal Dominant, Autosomal Recessive and X-Linked Classification Criteria (2023). Collection method: clinical testing. Allele origin: unknown.
Comment: NM_000260.3(MYO7A):c.3000delA(K1000Nfs*62) is expected to be pathogenic in the context of MYO7A-related disorders. This variant is predicted to lead to an abnormal or absent protein product due to the creation of a premature termination codon in MYO7A, a gene where loss-of-function variants are known to be pathogenic. Please note: this variant was assessed in the context of healthy population screening.

NM_000260.4(MYO7A):c.3000del (p.Lys1000fs)

Gene: MYO7A (myosin VIIA; plus strand). Cytogenetic location: 11q13.5.
Variant type: Deletion.
Coding change: c.3000del on transcript NM_000260.4 (MANE Select); coding-DNA position 3000, one base deleted (A; older notation c.3000delA).
Protein change: p.Lys1000fs; shifts the reading frame from lysine 1000.
Molecular consequence: frameshift variant.
Genome position (GRCh38, 1-based): chr11:77,182,046, A deleted; the last of 3 consecutive A bases (chr11:77,182,044-77,182,046); deleting any one gives the same sequence. VCF-style (leftmost placement, unchanged base first): chr11-77182043-TA-T. GRCh37 (hg19) VCF-style: chr11-76893089-TA-T.
Other names: c.3000del, p.Lys1000fs (NM_001127180.2); c.2967del, p.Lys989fs (NM_001369365.1); short protein forms K1000fs, K989fs.
Identifiers: ClinVar variation 5013407 (VCV005013407.1).
Genomic context (GRCh38, chr11:77,182,043, plus strand): 5'-GGAGGACCTGGATGCAGCCCTGCCCCTGCCTGACGAGGATGAGGAGGACCTCTCTGAGTA[TA>T]AATTTGCCAAGTTCGCGGCCACCTACTTCCAGGGGACAACCACGCACTCCTACACCCGGC-3'